The following is an entry in ClinVar:

NM_052867.4(NALCN):c.3632T>C (p.Phe1211Ser)

Gene: NALCN (sodium leak channel, non-selective; minus strand). Cytogenetic location: 13q32.3.
Variant type: single nucleotide variant.
Coding change: c.3632T>C on transcript NM_052867.4 (MANE Select); coding-DNA position 3632, T replaced by C.
Protein change: p.Phe1211Ser; replaces phenylalanine 1211 with serine.
Molecular consequence: missense variant.
Genome position (GRCh38, 1-based): chr13:101,083,150, A>G on the plus strand (T>C on the coding strand, the complement: NALCN is on the minus strand). VCF-style: chr13-101083150-A-G. GRCh37 (hg19) VCF-style: chr13-101735501-A-G.
Other names: c.3719T>C, p.Phe1240Ser (NM_001350748.2); c.3632T>C, p.Phe1211Ser (NM_001350749.2); c.3545T>C, p.Phe1182Ser (NM_001350750.2, NM_001350751.2); short protein forms F1182S, F1211S, F1240S.
Identifiers: ClinVar variation 2580401 (VCV002580401.1), dbSNP rs2033749216, ClinGen allele CA388651447.

ClinVar aggregate classification (germline): Uncertain significance (1 of 4 stars; one submission).

Submission:

GeneDx
Classification: Uncertain significance. Last evaluated: 2023-03-21. Review status: criteria provided, single submitter. Criteria: GeneDx Variant Classification Process June 2021. Collection method: clinical testing. Allele origin: germline. Affected: yes.
Comment: Not observed at significant frequency in large population cohorts (gnomAD); In silico analysis supports that this missense variant has a deleterious effect on protein structure/function; Has not been previously published as pathogenic or benign to our knowledge